The following is an entry in ClinVar:

ClinVar aggregate classification (germline): Uncertain significance (1 of 4 stars; one submission).

Submission:

Labcorp Genetics (formerly Invitae), Labcorp
Classification: Uncertain significance. Last evaluated: 2024-03-26. Review status: criteria provided, single submitter. Criteria: Invitae Variant Classification Sherloc (09022015). Collection method: clinical testing. Allele origin: germline.
Comment: This sequence change replaces methionine, which is neutral and non-polar, with valine, which is neutral and non-polar, at codon 1229 of the ASXL1 protein (p.Met1229Val). This variant is not present in population databases (gnomAD no frequency). This variant has not been reported in the literature in individuals affected with ASXL1-related conditions. Algorithms developed to predict the effect of missense changes on protein structure and function output the following: SIFT: "Not Available"; PolyPhen-2: "Benign"; Align-GVGD: "Not Available". The valine amino acid residue is found in multiple mammalian species, which suggests that this missense change does not adversely affect protein function. In summary, the available evidence is currently insufficient to determine the role of this variant in disease. Therefore, it has been classified as a Variant of Uncertain Significance.

NM_015338.6(ASXL1):c.3685A>G (p.Met1229Val)

Gene: ASXL1 (ASXL transcriptional regulator 1; plus strand). Cytogenetic location: 20q11.21.
Variant type: single nucleotide variant.
Coding change: c.3685A>G on transcript NM_015338.6 (MANE Select); coding-DNA position 3685, A replaced by G.
Protein change: p.Met1229Val; replaces methionine 1229 with valine.
Molecular consequence: missense variant.
Genome position (GRCh38, 1-based): chr20:32,436,397, A>G. VCF-style: chr20-32436397-A-G. GRCh37 (hg19) VCF-style: chr20-31024200-A-G.
Other names: c.3502A>G, p.Met1168Val (NM_001363734.1); short protein forms M1168V, M1229V.
Identifiers: ClinVar variation 3686214 (VCV003686214.2).